The following is an entry in ClinVar:

ClinVar aggregate classification (germline): Uncertain significance (1 of 4 stars; one submission).

Allele frequency attached by ClinVar (database versions not stated): gnomAD 0.00001 and 0.00002; gnomAD exomes 0.00003 and 0.00008; ExAC 0.00012.
gnomAD v4.1: 48 of 1,612,084 alleles (0.003%); highest among the groups gnomAD compares: East Asian, 0.0045%; no homozygotes.

Submission:

Labcorp Genetics (formerly Invitae), Labcorp
Classification: Uncertain significance. Last evaluated: 2022-01-03. Review status: criteria provided, single submitter. Criteria: Invitae Variant Classification Sherloc (09022015). Collection method: clinical testing. Allele origin: germline.
Comment: This sequence change replaces glutamic acid, which is acidic and polar, with aspartic acid, which is acidic and polar, at codon 317 of the CCDC88A protein (p.Glu317Asp). This variant is present in population databases (rs200417192, gnomAD 0.02%). This variant has not been reported in the literature in individuals affected with CCDC88A-related conditions. Algorithms developed to predict the effect of missense changes on protein structure and function are either unavailable or do not agree on the potential impact of this missense change (SIFT: "Deleterious"; PolyPhen-2: "Benign"; Align-GVGD: "Class C0"). In summary, the available evidence is currently insufficient to determine the role of this variant in disease. Therefore, it has been classified as a Variant of Uncertain Significance.

NM_001365480.1(CCDC88A):c.951G>C (p.Glu317Asp)

Gene: CCDC88A (coiled-coil domain containing 88A; minus strand). Cytogenetic location: 2p16.1.
Variant type: single nucleotide variant.
Coding change: c.951G>C on transcript NM_001365480.1 (MANE Select); coding-DNA position 951, G replaced by C.
Protein change: p.Glu317Asp; replaces glutamic acid 317 with aspartic acid.
Molecular consequence: missense variant.
Genome position (GRCh38, 1-based): chr2:55,346,265, C>G on the plus strand (G>C on the coding strand, the complement: CCDC88A is on the minus strand). VCF-style: chr2-55346265-C-G. GRCh37 (hg19) VCF-style: chr2-55573401-C-G.
Other names: c.951G>C, p.Glu317Asp (NM_001135597.2, NM_001254943.2, NM_018084.5); short protein forms E317D.
Identifiers: ClinVar variation 1385653 (VCV001385653.3), dbSNP rs200417192, ClinGen allele CA1666245.